The following is an entry in ClinVar:

NM_007289.4(MME):c.329T>G (p.Leu110Ter)

Gene: MME (membrane metalloendopeptidase; plus strand). Cytogenetic location: 3q25.2.
Variant type: single nucleotide variant.
Coding change: c.329T>G on transcript NM_007289.4 (MANE Select); coding-DNA position 329, T replaced by G.
Protein change: p.Leu110Ter; replaces leucine 110 with a stop codon.
Molecular consequence: nonsense.
Genome position (GRCh38, 1-based): chr3:155,115,126, T>G. VCF-style: chr3-155115126-T-G. GRCh37 (hg19) VCF-style: chr3-154832915-T-G.
Other names: c.329T>G, p.Leu110Ter (NM_000902.5, NM_001354642.2, NM_001354643.1 and 2 more transcripts); short protein forms L110*.
Identifiers: ClinVar variation 2664077 (VCV002664077.1), dbSNP rs2472967212, ClinGen allele CA355127637.
Genomic context (GRCh38, chr3:155,115,126, plus strand): 5'-GCTGGTTGAAACGTAATGTCATTCCCGAGACCAGCTCCCGTTACGGCAACTTTGACATTT[T>G]AAGAGATGAACTAGAAGTCGTTTTGAAAGGTTAGTAGAGATTGTGTCTGTGCATCAAAGA-3'

ClinVar aggregate classification (germline): Likely pathogenic (1 of 4 stars; one submission).

Conditions:
Charcot-Marie-Tooth disease axonal type 2T. Identifiers: Orphanet 443950, MedGen C4015635, OMIM 617017, MONDO:0014866.

Submission:

Center for Human Genetics and Genomic Medicine, Uniklinik Rwth Aachen
Classification: Likely pathogenic for Charcot-Marie-Tooth disease axonal type 2T. Last evaluated: 2023-07-10. Review status: criteria provided, single submitter. Criteria: ACMG Guidelines, 2015. Collection method: clinical testing. Allele origin: biparental. Inheritance: Autosomal recessive inheritance. Affected: yes. Observed: 1 homozygote.
Comment: The variant is absent from controls (gnomAD v2.1.1) and has not been reported in the literature. LOF is a known mechanism of MME-related disease. Therefore, this variant has been classified as likely pathogenic.